The following is an entry in ClinVar:

ClinVar aggregate classification (germline): Uncertain significance. Review status: criteria provided, multiple submitters, no conflicts (2 of 4 stars). 2 submissions from 2 submitters: Uncertain significance (2). Last evaluated 2025-10-23.

Conditions:
Inborn genetic diseases. Identifiers: MedGen C0950123, MeSH D030342.

Allele frequency attached by ClinVar (database versions not stated): gnomAD exomes below 0.00001; ExAC 0.00001; TOPMed 0.00002; gnomAD 0.00002.
gnomAD v4.1: 8 of 1,613,608 alleles (0.0005%); highest among the groups gnomAD compares: Admixed American, 0.012%; no homozygotes.

Submissions (2):

Ambry Genetics
Classification: Uncertain significance for Inborn genetic diseases. Last evaluated: 2025-10-23. Review status: criteria provided, single submitter. Criteria: Ambry Variant Classification Scheme 2023. Collection method: clinical testing. Allele origin: germline.

Labcorp Genetics (formerly Invitae), Labcorp
Classification: Uncertain significance. Last evaluated: 2022-12-07. Review status: criteria provided, single submitter. Criteria: Invitae Variant Classification Sherloc (09022015). Collection method: clinical testing. Allele origin: germline.
Comment: In summary, the available evidence is currently insufficient to determine the role of this variant in disease. Therefore, it has been classified as a Variant of Uncertain Significance. Algorithms developed to predict the effect of missense changes on protein structure and function are either unavailable or do not agree on the potential impact of this missense change (SIFT: "Not Available"; PolyPhen-2: "Benign"; Align-GVGD: "Not Available"). This variant has not been reported in the literature in individuals affected with IREB2-related conditions. This variant is present in population databases (rs748375601, gnomAD 0.009%). This sequence change replaces glutamic acid, which is acidic and polar, with lysine, which is basic and polar, at codon 917 of the IREB2 protein (p.Glu917Lys).

NM_004136.4(IREB2):c.2749G>A (p.Glu917Lys)

Gene: IREB2 (iron responsive element binding protein 2; plus strand). Cytogenetic location: 15q25.1.
Variant type: single nucleotide variant.
Coding change: c.2749G>A on transcript NM_004136.4 (MANE Select); coding-DNA position 2749, G replaced by A.
Protein change: p.Glu917Lys; replaces glutamic acid 917 with lysine.
Molecular consequence: missense variant.
Genome position (GRCh38, 1-based): chr15:78,497,279, G>A. VCF-style: chr15-78497279-G-A. GRCh37 (hg19) VCF-style: chr15-78789621-G-A.
Other names: c.2749G>A (NM_004136.2); c.1999G>A, p.Glu667Lys (NM_001320941.2); c.2578G>A, p.Glu860Lys (NM_001320942.2, NM_001354994.2); short protein forms E860K, E667K, E917K.
Identifiers: ClinVar variation 2187104 (VCV002187104.3), dbSNP rs748375601, ClinGen allele CA7683311.